The following is an entry in ClinVar:

NM_001849.4(COL6A2):c.1548del (p.Tyr517fs)

Gene: COL6A2 (collagen type VI alpha 2 chain; plus strand). Cytogenetic location: 21q22.3.
Variant type: Deletion.
Coding change: c.1548del on transcript NM_001849.4 (MANE Select); coding-DNA position 1548, one base deleted (C; older notation c.1548delC).
Protein change: p.Tyr517fs; shifts the reading frame from tyrosine 517.
Molecular consequence: frameshift variant.
Genome position (GRCh38, 1-based): chr21:46,122,134, C deleted. VCF-style (leftmost placement, unchanged base first): chr21-46122133-GC-G. GRCh37 (hg19) VCF-style: chr21-47542047-GC-G.
Other names: c.1548del, p.Tyr517fs (NM_058174.3, NM_058175.3); short protein forms Y517fs.
Identifiers: ClinVar variation 838312 (VCV000838312.8), dbSNP rs2078576503, ClinGen allele CA916081967.

ClinVar aggregate classification (germline): Pathogenic (1 of 4 stars; one submission).

Conditions:
Bethlem myopathy 1A. Also called: MYOPATHY, BENIGN CONGENITAL, WITH CONTRACTURES; Bethlem Muscular Dystrophy; Bethlem myopathy 1. Identifiers: Orphanet 610, MedGen CN029274, MONDO:0024530, OMIM 158810.

Submission:

Labcorp Genetics (formerly Invitae), Labcorp
Classification: Pathogenic for Bethlem myopathy 1A. Last evaluated: 2022-08-09. Review status: criteria provided, single submitter. Criteria: Invitae Variant Classification Sherloc (09022015). Collection method: clinical testing. Allele origin: germline.
Comment: For these reasons, this variant has been classified as Pathogenic. ClinVar contains an entry for this variant (Variation ID: 838312). This variant has not been reported in the literature in individuals affected with COL6A2-related conditions. This variant is not present in population databases (gnomAD no frequency). This sequence change creates a premature translational stop signal (p.Tyr517Thrfs*28) in the COL6A2 gene. It is expected to result in an absent or disrupted protein product. Loss-of-function variants in COL6A2 are known to be pathogenic (PMID: 19884007, 20976770).

Literature cited by the submitters: PubMed 19884007; PubMed 20976770.